The following is an entry in ClinVar:

ClinVar aggregate classification (germline): Likely pathogenic. Review status: criteria provided, multiple submitters, no conflicts (2 of 4 stars). 2 submissions from 2 submitters: Likely pathogenic (2). Last evaluated 2026-09-08.

Conditions:
Fabry disease. Also called: Angiokeratoma corporis diffusum; Ceramide trihexosidosis; Fabry's disease; ALPHA-GALACTOSIDASE A DEFICIENCY; ANDERSON-FABRY DISEASE; CERAMIDE TRIHEXOSIDASE DEFICIENCY. Identifiers: Orphanet 324, MedGen C0002986, MONDO:0010526, OMIM 301500, HP:0001071. Disease mechanism: Fabry disease is due to inactivating mutations in the X-linked GLA gene resulting in deficiency of the enzyme Alpha Galactosidase-A., loss of function.

Submissions (2):

Genomenon, Inc
Classification: Likely pathogenic for Fabry disease. Last evaluated: 2026-09-08. Review status: criteria provided, single submitter. Criteria: Genomenon Sequence Variant Interpretation Standards - Updated. Collection method: curation. Allele origin: germline. Affected: yes.
Comment: GLA p.Glu59Val (c.176A>T) is a missense variant that changes the amino acid at codon 59 from Glutamic acid to Valine. This variant has been observed in at least one proband with clinical features consistent with Fabry disease (PMID:29159076). The presence of pathogenic/likely pathogenic missense variant(s) at the same amino acid position indicates that this residue is likely important for protein function. It is absent or not present at a significant frequency in gnomAD. In silico models predict that this variant is possibly or probably damaging. In conclusion, we classify GLA p.Glu59Val (c.176A>T) as a likely pathogenic variant.

Labcorp Genetics (formerly Invitae), Labcorp
Classification: Likely pathogenic for Fabry disease. Last evaluated: 2024-01-04. Review status: criteria provided, single submitter. Criteria: Invitae Variant Classification Sherloc (09022015). Collection method: clinical testing. Allele origin: germline.
Comment: This sequence change replaces glutamic acid, which is acidic and polar, with valine, which is neutral and non-polar, at codon 59 of the GLA protein (p.Glu59Val). This variant is not present in population databases (gnomAD no frequency). This variant has not been reported in the literature in individuals affected with GLA-related conditions. Advanced modeling of protein sequence and biophysical properties (such as structural, functional, and spatial information, amino acid conservation, physicochemical variation, residue mobility, and thermodynamic stability) performed at Invitae indicates that this missense variant is expected to disrupt GLA protein function with a positive predictive value of 95%. This variant disrupts the p.Glu59 amino acid residue in GLA. Other variant(s) that disrupt this residue have been determined to be pathogenic (PMID: 7531540, 17555407, 21598360, 30477121). This suggests that this residue is clinically significant, and that variants that disrupt this residue are likely to be disease-causing. In summary, the currently available evidence indicates that the variant is pathogenic, but additional data are needed to prove that conclusively. Therefore, this variant has been classified as Likely Pathogenic.

Literature cited by the submitters: PubMed 29159076 (cited by Genomenon, Inc); PubMed 7531540 (cited by Labcorp Genetics (formerly Invitae), Labcorp); PubMed 17555407 (cited by Labcorp Genetics (formerly Invitae), Labcorp); PubMed 21598360 (cited by Labcorp Genetics (formerly Invitae), Labcorp); PubMed 30477121 (cited by Labcorp Genetics (formerly Invitae), Labcorp).

NM_000169.3(GLA):c.176A>T (p.Glu59Val)

Genes: GLA (galactosidase alpha; minus strand), RPL36A-HNRNPH2 (RPL36A-HNRNPH2 readthrough; plus strand). Cytogenetic location: Xq22.1.
Variant type: single nucleotide variant.
Coding change: c.176A>T on transcript NM_000169.3 (MANE Select); coding-DNA position 176, A replaced by T.
Protein change: p.Glu59Val; replaces glutamic acid 59 with valine.
Molecular consequence: missense variant. On other transcripts: non-coding transcript variant (3), intron variant (2).
Genome position (GRCh38, 1-based): chrX:101,407,728, T>A on the plus strand (A>T on the coding strand, the complement: GLA is on the minus strand). VCF-style: chrX-101407728-T-A. GRCh37 (hg19) VCF-style: chrX-100662716-T-A.
Other names: c.176A>T, p.Glu59Val (NM_001406747.1, NM_001406748.1, NM_001406749.1); c.301-4208T>A (NM_001199973.2); c.178-4208T>A (NM_001199974.2); short protein forms E59V.
Identifiers: ClinVar variation 2822701 (VCV002822701.4), dbSNP rs2520943061, ClinGen allele CA413936733.